The following is an entry in ClinVar:

ClinVar aggregate classification (germline): Pathogenic (1 of 4 stars; one submission).

Conditions:
Deficiency of steroid 11-beta-monooxygenase (CYP11B1). Also called: ADRENAL HYPERPLASIA, CONGENITAL, DUE TO STEROID 11-BETA-HYDROXYLASE DEFICIENCY; 11-BETA-HYDROXYLASE DEFICIENCY; ADRENAL HYPERPLASIA IV; P450C11B1 DEFICIENCY; STEROID 11-BETA-HYDROXYLASE DEFICIENCY; Congenital adrenal hyperplasia due to 11-beta-hydroxylase deficiency. Identifiers: Orphanet 90795, MedGen C0268292, MONDO:0008729, OMIM 202010. Disease mechanism: loss of function.

Submission:

Myriad Genetics, Inc.
Classification: Pathogenic for Deficiency of steroid 11-beta-monooxygenase. Last evaluated: 2023-09-08. Review status: criteria provided, single submitter. Criteria: Myriad Autosomal Dominant, Autosomal Recessive and X-Linked Classification Criteria (2023). Collection method: clinical testing. Allele origin: unknown.
Comment: NM_000497.3(CYP11B1):c.693_694delCA(F231Lfs*27) is expected to be pathogenic in the context of congenital adrenal hyperplasia, CYP11B1-related. This variant is predicted to lead to an abnormal or absent protein product due to the creation of a premature termination codon in CYP11B1, a gene where loss-of-function variants are known to be pathogenic. Please note: this variant was assessed in the context of healthy population screening.

NM_000497.4(CYP11B1):c.693_694del (p.Phe231fs)

Genes: CYP11B1 (cytochrome P450 family 11 subfamily B member 1; minus strand), LOC106799833 (CYP11B1 recombination region; plus strand). Cytogenetic location: 8q24.3.
Variant type: Deletion.
Coding change: c.693_694del on transcript NM_000497.4 (MANE Select); coding-DNA positions 693 to 694, 2 bases deleted (CA; older notation c.693_694delCA).
Protein change: p.Phe231fs; shifts the reading frame from phenylalanine 231.
Molecular consequence: frameshift variant.
Genome position (GRCh38, 1-based): chr8:142,876,787-142,876,788, TG deleted on the plus strand (CA on the coding strand, the reverse complement: CYP11B1 is on the minus strand). VCF-style (leftmost placement, unchanged base first): chr8-142876786-TTG-T. GRCh37 (hg19) VCF-style: chr8-143958202-TTG-T.
Other names: c.693_694del, p.Phe231fs (NM_001026213.1); short protein forms F231fs.
Identifiers: ClinVar variation 5011605 (VCV005011605.1).